The following is an entry in ClinVar:

ClinVar aggregate classification (germline): Uncertain significance (1 of 4 stars; one submission).

gnomAD v4.1: 18 of 382,126 alleles (0.0047%); highest among the groups gnomAD compares: Non-Finnish European, 0.0064%; no homozygotes.

Submission:

Dasa
Classification: Uncertain significance. Last evaluated: 2025-11-17. Review status: criteria provided, single submitter. Criteria: DASA Assertion Criteria. Collection method: clinical testing. Allele origin: germline.
Comment: NM_001353229.2(FLCN):c.397-9G>A is a splice-region variant. This variant is rare in population databases. Computational prediction algorithms are consistent with a benign effect. The currently available literature and clinical evidence are not sufficient to establish a definitive association between this variant and the reported condition. Therefore, this variant is classified as a variant of uncertain significance.

NM_144997.7(FLCN):c.397-377G>A

Gene: FLCN (folliculin; minus strand). Cytogenetic location: 17p11.2.
Variant type: single nucleotide variant.
Coding change: c.397-377G>A on transcript NM_144997.7 (MANE Select); 377 bases into the intron before coding-DNA position 397, G replaced by A.
Molecular consequence: intron variant.
Genome position (GRCh38, 1-based): chr17:17,224,520, C>T on the plus strand (G>A on the coding strand, the complement: FLCN is on the minus strand). VCF-style: chr17-17224520-C-T. GRCh37 (hg19) VCF-style: chr17-17127834-C-T.
Other names: c.397-377G>A (NM_001353231.2, NM_001353230.2, NM_144606.7); c.397-9G>A (NM_001353229.2).
Identifiers: ClinVar variation 4886026 (VCV004886026.2).